The following is an entry in ClinVar:

NM_004370.6(COL12A1):c.1525del (p.Thr509fs)

Gene: COL12A1 (collagen type XII alpha 1 chain; minus strand). Cytogenetic location: 6q13.
Variant type: Deletion.
Coding change: c.1525del on transcript NM_004370.6 (MANE Select); coding-DNA position 1525, one base deleted (A; older notation c.1525delA).
Protein change: p.Thr509fs; shifts the reading frame from threonine 509.
Molecular consequence: frameshift variant. On other transcripts: intron variant (2).
Genome position (GRCh38, 1-based): chr6:75,183,416, T deleted on the plus strand (A on the coding strand, the reverse complement: COL12A1 is on the minus strand). VCF-style (leftmost placement, unchanged base first): chr6-75183415-GT-G. GRCh37 (hg19) VCF-style: chr6-75893131-GT-G.
Other names: c.1525del, p.Thr509fs (NM_001424113.1, NM_001424114.1, NM_001424115.1); c.73+19304del (NM_001424116.1, NM_080645.3); short protein forms T509fs.
Identifiers: ClinVar variation 2951252 (VCV002951252.3), dbSNP rs2533567249, ClinGen allele CA2740091420.

ClinVar aggregate classification (germline): Uncertain significance (1 of 4 stars; one submission).

Conditions:
Ullrich congenital muscular dystrophy 2 (UCMD2). Identifiers: Orphanet 75840, MedGen C4225314, MONDO:0014654, OMIM 616470.
Bethlem myopathy 2 (BTHLM2). Identifiers: Orphanet 536516, Orphanet 610, MedGen C4225313, MONDO:0034022, OMIM 616471.

Submission:

Labcorp Genetics (formerly Invitae), Labcorp
Classification: Uncertain significance for Bethlem myopathy 2; Ullrich congenital muscular dystrophy 2. Last evaluated: 2023-08-31. Review status: criteria provided, single submitter. Criteria: Invitae Variant Classification Sherloc (09022015). Collection method: clinical testing. Allele origin: germline.
Comment: In summary, the available evidence is currently insufficient to determine the role of this variant in disease. Therefore, it has been classified as a Variant of Uncertain Significance. Experimental studies and prediction algorithms are not available or were not evaluated, and the functional significance of this variant is currently unknown. This variant has not been reported in the literature in individuals affected with COL12A1-related conditions. This variant is not present in population databases (gnomAD no frequency). This sequence change creates a premature translational stop signal (p.Thr509Profs*15) in the COL12A1 gene. Multiple COL12A1 isoforms have been reported, and the functional impact of this variant is uncertain (PMID: 8601036).

Literature cited by the submitters: PubMed 8601036.